The following is an entry in ClinVar:

ClinVar aggregate classification (germline): Likely pathogenic. Review status: criteria provided, multiple submitters, no conflicts (2 of 4 stars). 3 submissions from 3 submitters: Likely pathogenic (2). 1 of the submissions does not count toward it. Last evaluated 2020-11-25.

Conditions:
Amyotrophic lateral sclerosis 27, juvenile (ALS27). Identifiers: MedGen C5830359, MONDO:0859529, OMIM 620285.
Neuropathy, hereditary sensory and autonomic, type 1A (HSAN1A). Also called: HSAN IA; HSN IA; SPTLC1-Related Hereditary Sensory Neuropathy; NEUROPATHY, HEREDITARY SENSORY RADICULAR, AUTOSOMAL DOMINANT, TYPE 1A; NEUROPATHY, HEREDITARY SENSORY AND AUTONOMIC, TYPE IA. Identifiers: MedGen C5235211, MONDO:0008086, OMIM 162400.

Submissions (3):

GeneDx
Classification: Likely pathogenic. Last evaluated: 2020-11-25. Review status: criteria provided, single submitter. Criteria: GeneDx Variant Classification Process June 2021. Collection method: clinical testing. Allele origin: germline. Affected: yes.
Comment: Not observed in large population cohorts (Lek et al., 2016); In silico analysis supports that this missense variant does not alter protein structure/function; Has not been previously published as pathogenic or benign to our knowledge; This variant is associated with the following publications: (PMID: 34059824)

Broad Center for Mendelian Genomics, Broad Institute of MIT and Harvard
Classification: Likely pathogenic for Neuropathy, hereditary sensory and autonomic, type 1A. Last evaluated: 2020-11-16. Review status: criteria provided, single submitter. Criteria: ACMG Guidelines, 2015. Collection method: curation. Allele origin: germline. Inheritance: Autosomal dominant inheritance.
Comment: Trio genome analysis showed this variant to be de novo. The variant has not been previously reported in individuals with HSAN1A and was absent from large population studies. This variant has also been reported in ClinVar (Variation ID: 450572) as likely pathogenic by GeneDx. Computational prediction tools and conservation analyses do not provide strong support for or against an impact to the protein. In summary, although additional studies are required to fully establish its clinical significance, this variant is likely pathogenic. ACMG/AMP Criteria applied: PS2, PM2 (Richards 2015).

OMIM
Classification: Pathogenic for AMYOTROPHIC LATERAL SCLEROSIS 27, JUVENILE. Last evaluated: 2023-03-16. Review status: no assertion criteria provided. Collection method: literature only. Allele origin: germline. Not counted in ClinVar's aggregate classification.

Literature cited by the submitters: PubMed 34059824 (cited by OMIM).

NM_006415.4(SPTLC1):c.68A>T (p.Tyr23Phe)

Gene: SPTLC1 (serine palmitoyltransferase long chain base subunit 1; minus strand). Cytogenetic location: 9q22.31.
Variant type: single nucleotide variant.
Coding change: c.68A>T on transcript NM_006415.4 (MANE Select); coding-DNA position 68, A replaced by T.
Protein change: p.Tyr23Phe; replaces tyrosine 23 with phenylalanine.
Molecular consequence: missense variant. On other transcripts: 5 prime UTR variant (2).
Genome position (GRCh38, 1-based): chr9:92,112,552, T>A on the plus strand (A>T on the coding strand, the complement: SPTLC1 is on the minus strand). VCF-style: chr9-92112552-T-A. GRCh37 (hg19) VCF-style: chr9-94874834-T-A.
Other names: c.68A>T, p.Tyr23Phe (NM_001281303.2, NM_178324.3); c.-432A>T (NM_001368272.1); c.-398A>T (NM_001368273.1); c.68A>T (LRG_272t1); short protein forms Y23F.
Identifiers: ClinVar variation 450572 (VCV000450572.7), dbSNP rs1554716504, ClinGen allele CA373795895.
Genomic context (GRCh38, chr9:92,112,552, plus strand): 5'-GTCTTAGAGAAAAGAAGTCTGATTATCCAGAGGATCAGAATCCCTTCCAAAATAAGATGG[T>A]AAGCAGGAGCCTAAGAGTGAGTCAAAAACAAGTAAGATATGAAACATACACTTCTAACAC-3'
Protein context (NP_006406.1, residues 13-33): MVQALYEAPA[Tyr23Phe]HLILEGILIL